The following is an entry in ClinVar:

NM_000038.6(APC):c.3268C>A (p.Gln1090Lys)

Gene: APC (APC regulator of Wnt signaling pathway; plus strand). Cytogenetic location: 5q22.2.
Variant type: single nucleotide variant.
Coding change: c.3268C>A on transcript NM_000038.6 (MANE Select); coding-DNA position 3268, C replaced by A.
Protein change: p.Gln1090Lys; replaces glutamine 1090 with lysine.
Molecular consequence: missense variant.
Genome position (GRCh38, 1-based): chr5:112,838,862, C>A. VCF-style: chr5-112838862-C-A. GRCh37 (hg19) VCF-style: chr5-112174559-C-A.
Other names: c.3268C>A (NM_000038.5); c.3268C>A, p.Gln1090Lys (NM_001127510.3, NM_001354895.2); c.3214C>A, p.Gln1072Lys (NM_001127511.3); c.3322C>A, p.Gln1108Lys (NM_001354896.2); c.3298C>A, p.Gln1100Lys (NM_001354897.2); c.3193C>A, p.Gln1065Lys (NM_001354898.2); c.3184C>A, p.Gln1062Lys (NM_001354899.2); c.3145C>A, p.Gln1049Lys (NM_001354900.2); and 6 more; short protein forms Q930K, Q964K, Q989K, Q999K, Q1031K, Q1049K, Q1062K, Q1065K.
Identifiers: ClinVar variation 1061996 (VCV001061996.8), dbSNP rs1580633219, ClinGen allele CA16028505.
Genomic context (GRCh38, chr5:112,838,862, plus strand): 5'-AATCAAAGTACAACTTATCCTGTTTATACTGAGAGCACTGATGATAAACACCTCAAGTTC[C>A]AACCACATTTTGGACAGCAGGAATGTGTTTCTCCATACAGGTCACGGGGAGCCAATGGTT-3'
Protein context (NP_000029.2, residues 1080-1100): ESTDDKHLKF[Gln1090Lys]PHFGQQECVS

ClinVar aggregate classification (germline): Uncertain significance. Review status: criteria provided, multiple submitters, no conflicts (2 of 4 stars). 2 submissions from 2 submitters: Uncertain significance (2). Last evaluated 2025-08-14.

Conditions:
Hereditary cancer-predisposing syndrome. Also called: Neoplastic Syndromes, Hereditary; Hereditary Cancer Syndrome; Hereditary neoplastic syndrome; Tumor predisposition. Identifiers: Orphanet 140162, MedGen C0027672, MeSH D009386, MONDO:0015356.
Familial adenomatous polyposis 1 (FAP1). Also called: FAMILIAL ADENOMATOUS POLYPOSIS 1, ATTENUATED; POLYPOSIS, ADENOMATOUS INTESTINAL. Identifiers: MedGen C2713442, MONDO:0021056, OMIM 175100. Disease mechanism: loss of function.

Allele frequency attached by ClinVar (database versions not stated): TOPMed below 0.00001.

Submissions (2):

Ambry Genetics
Classification: Uncertain significance for Hereditary cancer-predisposing syndrome. Last evaluated: 2025-08-14. Review status: criteria provided, single submitter. Criteria: Ambry Variant Classification Scheme 2023. Collection method: clinical testing. Allele origin: germline.
Comment: The p.Q1090K variant (also known as c.3268C>A), located in coding exon 15 of the APC gene, results from a C to A substitution at nucleotide position 3268. The glutamine at codon 1090 is replaced by lysine, an amino acid with similar properties. This amino acid position is conserved. In addition, in silico predictors for this gene do not accurately predict pathogenicity. Based on the available evidence, the clinical significance of this variant remains unclear.

Labcorp Genetics (formerly Invitae), Labcorp
Classification: Uncertain significance for Familial adenomatous polyposis 1. Last evaluated: 2021-09-01. Review status: criteria provided, single submitter. Criteria: Invitae Variant Classification Sherloc (09022015). Collection method: clinical testing. Allele origin: germline.
Comment: This sequence change replaces glutamine with lysine at codon 1090 of the APC protein (p.Gln1090Lys). The glutamine residue is highly conserved and there is a small physicochemical difference between glutamine and lysine. This variant is not present in population databases (ExAC no frequency). This variant has not been reported in the literature in individuals affected with APC-related conditions. Algorithms developed to predict the effect of missense changes on protein structure and function (SIFT, PolyPhen-2, Align-GVGD) all suggest that this variant is likely to be tolerated. In summary, the available evidence is currently insufficient to determine the role of this variant in disease. Therefore, it has been classified as a Variant of Uncertain Significance.